The following is an entry in ClinVar:

NM_001165963.4(SCN1A):c.5515C>G (p.Leu1839Val)

Genes: SCN1A (sodium voltage-gated channel alpha subunit 1; minus strand), LOC102724058 (uncharacterized LOC102724058; plus strand). Cytogenetic location: 2q24.3.
Variant type: single nucleotide variant.
Coding change: c.5515C>G on transcript NM_001165963.4 (MANE Select); coding-DNA position 5515, C replaced by G.
Protein change: p.Leu1839Val; replaces leucine 1839 with valine.
Molecular consequence: missense variant. On other transcripts: non-coding transcript variant (1).
Genome position (GRCh38, 1-based): chr2:165,991,760, G>C on the plus strand (C>G on the coding strand, the complement: SCN1A is on the minus strand). VCF-style: chr2-165991760-G-C. GRCh37 (hg19) VCF-style: chr2-166848270-G-C.
Other names: p.Leu1839Val; c.5515C>G (NM_001165963.3); c.5431C>G, p.Leu1811Val (NM_001165964.3, NM_001353957.2, NM_001353958.2); c.5515C>G, p.Leu1839Val (NM_001202435.3, NM_001353948.2); c.5482C>G, p.Leu1828Val (NM_001353949.2, NM_001353950.2, NM_001353951.2 and 2 more transcripts); c.5479C>G, p.Leu1827Val (NM_001353954.2, NM_001353955.2); c.5428C>G, p.Leu1810Val (NM_001353960.2); c.3073C>G, p.Leu1025Val (NM_001353961.2); short protein forms L1828V, L1839V, L1025V, L1810V, L1811V, L1827V.
Identifiers: ClinVar variation 189965 (VCV000189965.2), dbSNP rs794726801, ClinGen allele CA303429.

ClinVar aggregate classification (germline): Pathogenic/Likely pathogenic. Review status: criteria provided, multiple submitters, no conflicts (2 of 4 stars). 2 submissions from 2 submitters: Pathogenic (1); Likely pathogenic (1). Last evaluated 2023-05-15.

Conditions:
Severe myoclonic epilepsy in infancy (DRVT). Also called: Epileptic encephalopathy, early infantile, 6 (Dravet syndrome); SEVERE MYOCLONIC EPILEPSY OF INFANCY; DEVELOPMENTAL AND EPILEPTIC ENCEPHALOPATHY 6A; Severe Myoclonic Epilepsy in Infancy (SMEI); Dravet syndrome. Identifiers: Orphanet 33069, MedGen C0751122, MONDO:0100135, OMIM 607208.

Submissions (2):

Mayo Clinic Laboratories, Mayo Clinic
Classification: Likely pathogenic. Last evaluated: 2023-05-15. Review status: criteria provided, single submitter. Criteria: ACMG Guidelines, 2015. Collection method: clinical testing. Allele origin: germline. Observed: 1 variant allele.
Comment: PP2, PP3, PM1, PM2, PM5, PS4_moderate

Center for Bioinformatics, Peking University
Classification: Pathogenic for Dravet syndrome. Last evaluated: 2014-12-20. Review status: criteria provided, single submitter. Criteria: Xu et al. (Hum Mutat. 2015). Collection method: research. Allele origin: de novo. Affected: yes. Observed: 1 variant allele. Study: University Clinical Cooperation “985 Project” PKU-2014-1-1.
Comment: Dravet syndrome (DS) probands were recruited from the outpatient and inpatient child neurology units of Peking University First Hospital from 2005 till present. The study was approved by the Ethics Committee of Peking University First Hospital and the Institutional Review Board at Peking University. Participants or their parents provided written informed consent before enrollment. We collected a total of 267 mutations from 255 families with probands diagnosed with DS in China. All probands fulfilled the clinical diagnostic criteria.

Literature cited by the submitters: PubMed 26096185 (cited by Mayo Clinic Laboratories, Mayo Clinic); PubMed 35886038 (cited by Mayo Clinic Laboratories, Mayo Clinic).